The following is an entry in ClinVar:

NM_001378024.1(ARHGAP32):c.3461A>G (p.Glu1154Gly)

Gene: ARHGAP32 (Rho GTPase activating protein 32; minus strand). Cytogenetic location: 11q24.3.
Variant type: single nucleotide variant.
Coding change: c.3461A>G on transcript NM_001378024.1 (MANE Select); coding-DNA position 3461, A replaced by G.
Protein change: p.Glu1154Gly; replaces glutamic acid 1154 with glycine.
Molecular consequence: missense variant.
Genome position (GRCh38, 1-based): chr11:128,973,045, T>C on the plus strand (A>G on the coding strand, the complement: ARHGAP32 is on the minus strand). VCF-style: chr11-128973045-T-C. GRCh37 (hg19) VCF-style: chr11-128842940-T-C.
Other names: c.3419A>G, p.Glu1140Gly (NM_001142685.2); c.3299A>G, p.Glu1100Gly (NM_001378025.1); c.2372A>G, p.Glu791Gly (NM_014715.4); short protein forms E791G, E1140G, E1100G, E1154G.
Identifiers: ClinVar variation 789801 (VCV000789801.6), dbSNP rs34661752, ClinGen allele CA6358770.
Genomic context (GRCh38, chr11:128,973,045, plus strand): 5'-TCCCCAGATAAATATGCTTGATGTGGCTGATTCCCTGTTAAGTCTACTTGGTGATGTTGC[T>C]CCCCAGATTCAGTTGTGTTGGAATGGGTAGGATCCCCAGTAGCTGTTGTCTCTGGTAGAG-3'
Protein context (NP_001364953.1, residues 1144-1164): PTHSNTTESG[Glu1154Gly]QHHQVDLTGN

ClinVar aggregate classification (germline): Benign. Review status: criteria provided, multiple submitters, no conflicts (2 of 4 stars). 3 submissions from 3 submitters: Benign (2). 1 of the submissions does not count toward it. Last evaluated 2019-01-03.

Conditions:
ARHGAP32-related disorder. Also called: ARHGAP32-related condition.

Allele frequency attached by ClinVar (database versions not stated): gnomAD exomes 0.00060 and 0.00187; ExAC 0.00236; gnomAD 0.00548 and 0.00589; ESP Exome Variant Server 0.00616; TOPMed 0.00630; 1000 Genomes Project 0.00679; 1000 Genomes Project 30x 0.00796.
gnomAD v4.1: 1,766 of 1,614,088 alleles (0.11%); highest among the groups gnomAD compares: African/African-American, 1.9%; 16 homozygotes.

Submissions (3):

Labcorp Genetics (formerly Invitae), Labcorp
Classification: Benign. Last evaluated: 2019-01-03. Review status: criteria provided, single submitter. Criteria: Invitae Variant Classification Sherloc (09022015). Collection method: clinical testing. Allele origin: germline.

Breakthrough Genomics
Classification: Benign. Review status: criteria provided, single submitter. Criteria: ACMG Guidelines, 2015. Collection method: not provided. Allele origin: germline. Inheritance: Unknown mechanism. Affected: yes.

PreventionGenetics, part of Exact Sciences
Classification: Benign for ARHGAP32-related condition. Last evaluated: 2019-05-21. Review status: no assertion criteria provided. Collection method: clinical testing. Allele origin: germline. Not counted in ClinVar's aggregate classification.
Comment: This variant is classified as benign based on ACMG/AMP sequence variant interpretation guidelines (Richards et al. 2015 PMID: 25741868, with internal and published modifications).